The following is an entry in ClinVar:

ClinVar aggregate classification (germline): Uncertain significance (1 of 4 stars; one submission).

Conditions:
ARL2-related condition.

gnomAD v4.1: 50 of 1,613,174 alleles (0.0031%); highest among the groups gnomAD compares: Non-Finnish European, 0.0041%; no homozygotes.

Submission:

PreventionGenetics, part of Exact Sciences
Classification: Uncertain significance for ARL2-related condition. Last evaluated: 2026-09-06. Review status: criteria provided, single submitter. Criteria: ACMG Guidelines, 2015. Collection method: clinical testing. Allele origin: germline.
Comment: The ARL2 c.487G>C variant is predicted to result in the amino acid substitution p.Glu163Gln. To our knowledge, this variant has not been reported in the literature. This variant is present in 0.0047% of alleles in individuals of European (Non-Finnish) descent in gnomAD. At this time, the clinical significance of this variant is uncertain due to the absence of conclusive functional and genetic evidence.

NM_001667.4(ARL2):c.487G>C (p.Glu163Gln)

Genes: ARL2 (ARF like GTPase 2; plus strand), ARL2-SNX15 (ARL2-SNX15 readthrough (NMD candidate); plus strand). Cytogenetic location: 11q13.1.
Variant type: single nucleotide variant.
Coding change: c.487G>C on transcript NM_001667.4 (MANE Select); coding-DNA position 487, G replaced by C.
Protein change: p.Glu163Gln; replaces glutamic acid 163 with glutamine.
Molecular consequence: missense variant.
Genome position (GRCh38, 1-based): chr11:65,021,787, G>C. VCF-style: chr11-65021787-G-C. GRCh37 (hg19) VCF-style: chr11-64789259-G-C.
Other names: c.406G>C, p.Glu136Gln (NM_001199745.2); short protein forms E163Q, E136Q.
Identifiers: ClinVar variation 4990559 (VCV004990559.1).